The following is an entry in ClinVar:

ClinVar aggregate classification (germline): Uncertain significance (1 of 4 stars; one submission).

gnomAD v4.1: 17 of 1,613,686 alleles (0.0011%); highest among the groups gnomAD compares: Admixed American, 0.0033%; no homozygotes.

Submission:

Labcorp Genetics (formerly Invitae), Labcorp
Classification: Uncertain significance. Last evaluated: 2024-10-17. Review status: criteria provided, single submitter. Criteria: Invitae Variant Classification Sherloc (09022015). Collection method: clinical testing. Allele origin: germline.
Comment: This sequence change replaces arginine, which is basic and polar, with histidine, which is basic and polar, at codon 2024 of the DCHS1 protein (p.Arg2024His). This variant is present in population databases (rs760868502, gnomAD 0.006%). This variant has not been reported in the literature in individuals affected with DCHS1-related conditions. Invitae Evidence Modeling of protein sequence and biophysical properties (such as structural, functional, and spatial information, amino acid conservation, physicochemical variation, residue mobility, and thermodynamic stability) indicates that this missense variant is not expected to disrupt DCHS1 protein function with a negative predictive value of 80%. In summary, the available evidence is currently insufficient to determine the role of this variant in disease. Therefore, it has been classified as a Variant of Uncertain Significance.

NM_003737.4(DCHS1):c.6071G>A (p.Arg2024His)

Gene: DCHS1 (dachsous cadherin-related 1; minus strand). Cytogenetic location: 11p15.4.
Variant type: single nucleotide variant.
Coding change: c.6071G>A on transcript NM_003737.4 (MANE Select); coding-DNA position 6071, G replaced by A.
Protein change: p.Arg2024His; replaces arginine 2024 with histidine.
Molecular consequence: missense variant.
Genome position (GRCh38, 1-based): chr11:6,626,968, C>T on the plus strand (G>A on the coding strand, the complement: DCHS1 is on the minus strand). VCF-style: chr11-6626968-C-T. GRCh37 (hg19) VCF-style: chr11-6648199-C-T.
Other names: short protein forms R2024H.
Identifiers: ClinVar variation 3710884 (VCV003710884.2).
Genomic context (GRCh38, chr11:6,626,968, plus strand): 5'-CCAAGATCAGTGGCCACAATGAAGAGGACACGATCTCGGGGGCCTAGAGCTACAGGAGAG[C>T]GGGCCACGCGGATTTCACCAGTGTAAGAGTCCACAGTAGTGCCAGGAGGTGGTGTGCCTG-3'
Protein context (NP_003728.1, residues 2014-2034): DSYTGEIRVA[Arg2024His]SPVALGPRDR